The following is an entry in ClinVar:

NM_001199107.2(TBC1D24):c.1505del (p.Gly502fs)

Gene: TBC1D24 (TBC1 domain family member 24; plus strand). Cytogenetic location: 16p13.3.
Variant type: Deletion.
Coding change: c.1505del on transcript NM_001199107.2 (MANE Select); coding-DNA position 1505, one base deleted (G; older notation c.1505delG).
Protein change: p.Gly502fs; shifts the reading frame from glycine 502.
Molecular consequence: frameshift variant.
Genome position (GRCh38, 1-based): chr16:2,500,470, G deleted; the last of 6 consecutive G bases (chr16:2,500,465-2,500,470); deleting any one gives the same sequence. VCF-style (leftmost placement, unchanged base first): chr16-2500464-CG-C. GRCh37 (hg19) VCF-style: chr16-2550465-CG-C.
Other names: c.1487del, p.Gly496fs (NM_020705.3); short protein forms G496fs, G502fs.
Identifiers: ClinVar variation 3601865 (VCV003601865.1).
Genomic context (GRCh38, chr16:2,500,464, plus strand): 5'-CGCCCTTCCTGGCCGCTCGCCACTTCAACCTGCCCTCCAAGACCGAGTCCATGTTCATGG[CG>C]GGGGGCAGCGACTGCCTCATCGTCGGTGAGCGCCAGCAGACGGGGCTCTGGGATGAGGGT-3'

ClinVar aggregate classification (germline): Likely pathogenic (1 of 4 stars; one submission).

Conditions:
Autosomal recessive nonsyndromic hearing loss 86 (DFNB86). Also called: TBC1D24-Related Autosomal Recessive Nonsyndromic Hearing Loss (DFNB); Deafness , autosomal recessive 86. Identifiers: Orphanet 90636, MedGen C2829265, MONDO:0013826, OMIM 614617.

Submission:

Institute of Rare Diseases, West China Hospital, Sichuan University
Classification: Likely pathogenic for Autosomal recessive nonsyndromic hearing loss 86. Last evaluated: 2025-01-09. Review status: criteria provided, single submitter. Criteria: ClinGen HL ACMG Specifications v1. Collection method: research. Allele origin: germline. Affected: yes.
Comment: PVS1;PM2_Supporting